The following is an entry in ClinVar:

ClinVar aggregate classification (germline): Uncertain significance. Review status: criteria provided, multiple submitters, no conflicts (2 of 4 stars). 2 submissions from 2 submitters: Uncertain significance (2). Last evaluated 2022-09-25.

Conditions:
Tuberous sclerosis 2 (TSC2). Identifiers: Orphanet 805, MedGen C1860707, MONDO:0013199, OMIM 613254.
Hereditary cancer-predisposing syndrome. Also called: Hereditary neoplastic syndrome; Neoplastic Syndromes, Hereditary; Hereditary Cancer Syndrome; Tumor predisposition. Identifiers: Orphanet 140162, MedGen C0027672, MeSH D009386, MONDO:0015356.

Submissions (2):

Ambry Genetics
Classification: Uncertain significance for Hereditary cancer-predisposing syndrome. Last evaluated: 2022-09-25. Review status: criteria provided, single submitter. Criteria: Ambry Variant Classification Scheme 2023. Collection method: clinical testing. Allele origin: germline.
Comment: The p.S1045C variant (also known as c.3134C>G), located in coding exon 27 of the TSC2 gene, results from a C to G substitution at nucleotide position 3134. The serine at codon 1045 is replaced by cysteine, an amino acid with dissimilar properties. This amino acid position is conserved. In addition, this alteration is predicted to be deleterious by in silico analysis. Since supporting evidence is limited at this time, the clinical significance of this alteration remains unclear.

Labcorp Genetics (formerly Invitae), Labcorp
Classification: Uncertain significance for Tuberous sclerosis 2. Last evaluated: 2021-03-27. Review status: criteria provided, single submitter. Criteria: Invitae Variant Classification Sherloc (09022015). Collection method: clinical testing. Allele origin: germline.
Comment: This sequence change replaces serine with cysteine at codon 1045 of the TSC2 protein (p.Ser1045Cys). The serine residue is highly conserved and there is a moderate physicochemical difference between serine and cysteine. This variant is not present in population databases (ExAC no frequency). This variant has not been reported in the literature in individuals with TSC2-related conditions. ClinVar contains an entry for this variant (Variation ID: 571585). Algorithms developed to predict the effect of missense changes on protein structure and function are either unavailable or do not agree on the potential impact of this missense change (SIFT: "Tolerated"; PolyPhen-2: "Probably Damaging"; Align-GVGD: "Class C0"). In summary, the available evidence is currently insufficient to determine the role of this variant in disease. Therefore, it has been classified as a Variant of Uncertain Significance.

NM_000548.5(TSC2):c.3134C>G (p.Ser1045Cys)

Gene: TSC2 (TSC complex subunit 2; plus strand). Cytogenetic location: 16p13.3.
Variant type: single nucleotide variant.
Coding change: c.3134C>G on transcript NM_000548.5 (MANE Select); coding-DNA position 3134, C replaced by G.
Protein change: p.Ser1045Cys; replaces serine 1045 with cysteine.
Molecular consequence: missense variant.
Genome position (GRCh38, 1-based): chr16:2,079,278, C>G. VCF-style: chr16-2079278-C-G. GRCh37 (hg19) VCF-style: chr16-2129279-C-G.
Other names: c.3002C>G, p.Ser1001Cys (NM_001077183.3, NM_001370404.1); c.3134C>G, p.Ser1045Cys (NM_001114382.3); c.2894C>G, p.Ser965Cys (NM_001318827.2); c.2858C>G, p.Ser953Cys (NM_001318829.2); c.2402C>G, p.Ser801Cys (NM_001318831.2); c.3035C>G, p.Ser1012Cys (NM_001318832.2); c.3005C>G, p.Ser1002Cys (NM_001363528.2, NM_001370405.1, NM_021055.3); short protein forms S1045C, S1001C, S1012C, S801C, S953C, S1002C, S965C.
Identifiers: ClinVar variation 571585 (VCV000571585.11), dbSNP rs1567497647, ClinGen allele CA394285144.